The following is an entry in ClinVar:

NM_001291303.3(FAT4):c.5464T>A (p.Ser1822Thr)

Gene: FAT4 (FAT atypical cadherin 4; plus strand). Cytogenetic location: 4q28.1.
Variant type: single nucleotide variant.
Coding change: c.5464T>A on transcript NM_001291303.3 (MANE Select); coding-DNA position 5464, T replaced by A.
Protein change: p.Ser1822Thr; replaces serine 1822 with threonine.
Molecular consequence: missense variant.
Genome position (GRCh38, 1-based): chr4:125,407,036, T>A. VCF-style: chr4-125407036-T-A. GRCh37 (hg19) VCF-style: chr4-126328191-T-A.
Other names: c.5464T>A, p.Ser1822Thr (NM_001291285.3, NM_024582.6); short protein forms S1822T.
Identifiers: ClinVar variation 1924571 (VCV001924571.3), dbSNP rs143100468, ClinGen allele CA3072727.
Genomic context (GRCh38, chr4:125,407,036, plus strand): 5'-TTGGACAGGGAACGCCGCTCCAAATATTCACTGCTAGTTCGTGCTGATGATGGTCTTCAG[T>A]CCTCGGATATGAGAATTAATATCACTGTCAGTGATGTGAATGACCATACACCCAAATTTT-3'
Protein context (NP_001278232.1, residues 1812-1832): LLVRADDGLQ[Ser1822Thr]SDMRINITVS

ClinVar aggregate classification (germline): Uncertain significance (1 of 4 stars; one submission).

Allele frequency attached by ClinVar (database versions not stated): TOPMed below 0.00001; gnomAD 0.00001; gnomAD exomes 0.00001; ExAC 0.00002; ESP Exome Variant Server 0.00008.
gnomAD v4.1: 12 of 1,613,712 alleles (0.00074%); highest among the groups gnomAD compares: Non-Finnish European, 0.001%; no homozygotes.

Submission:

Labcorp Genetics (formerly Invitae), Labcorp
Classification: Uncertain significance. Last evaluated: 2024-08-05. Review status: criteria provided, single submitter. Criteria: Invitae Variant Classification Sherloc (09022015). Collection method: clinical testing. Allele origin: germline.
Comment: This sequence change replaces serine, which is neutral and polar, with threonine, which is neutral and polar, at codon 1822 of the FAT4 protein (p.Ser1822Thr). This variant is present in population databases (rs143100468, gnomAD 0.002%). This variant has not been reported in the literature in individuals affected with FAT4-related conditions. ClinVar contains an entry for this variant (Variation ID: 1924571). Advanced modeling of protein sequence and biophysical properties (such as structural, functional, and spatial information, amino acid conservation, physicochemical variation, residue mobility, and thermodynamic stability) performed at Invitae indicates that this missense variant is not expected to disrupt FAT4 protein function with a negative predictive value of 95%. In summary, the available evidence is currently insufficient to determine the role of this variant in disease. Therefore, it has been classified as a Variant of Uncertain Significance.